The following is an entry in ClinVar:

ClinVar aggregate classification (germline): Uncertain significance (1 of 4 stars; one submission).

Allele frequency attached by ClinVar (database versions not stated): TOPMed below 0.00001; gnomAD 0.00001; gnomAD exomes 0.00001; ExAC 0.00007; 1000 Genomes Project 30x 0.00016.
gnomAD v4.1: 23 of 1,614,054 alleles (0.0014%); highest among the groups gnomAD compares: South Asian, 0.024%; 1 homozygote.

Submission:

Labcorp Genetics (formerly Invitae), Labcorp
Classification: Uncertain significance. Last evaluated: 2023-01-28. Review status: criteria provided, single submitter. Criteria: Invitae Variant Classification Sherloc (09022015). Collection method: clinical testing. Allele origin: germline.
Comment: Algorithms developed to predict the effect of missense changes on protein structure and function output the following: SIFT: "Tolerated"; PolyPhen-2: "Benign"; Align-GVGD: "Class C0". The alanine amino acid residue is found in multiple mammalian species, which suggests that this missense change does not adversely affect protein function. In summary, the available evidence is currently insufficient to determine the role of this variant in disease. Therefore, it has been classified as a Variant of Uncertain Significance. This variant has not been reported in the literature in individuals affected with REST-related conditions. This variant is present in population databases (rs757792826, gnomAD 0.04%), and has an allele count higher than expected for a pathogenic variant. This sequence change replaces valine, which is neutral and non-polar, with alanine, which is neutral and non-polar, at codon 485 of the REST protein (p.Val485Ala).

NM_005612.5(REST):c.1454T>C (p.Val485Ala)

Gene: REST (RE1 silencing transcription factor; plus strand). Cytogenetic location: 4q12.
Variant type: single nucleotide variant.
Coding change: c.1454T>C on transcript NM_005612.5 (MANE Select); coding-DNA position 1454, T replaced by C.
Protein change: p.Val485Ala; replaces valine 485 with alanine.
Molecular consequence: missense variant.
Genome position (GRCh38, 1-based): chr4:56,930,312, T>C. VCF-style: chr4-56930312-T-C. GRCh37 (hg19) VCF-style: chr4-57796478-T-C.
Other names: c.1454T>C, p.Val485Ala (NM_001193508.2, NM_001363453.3); short protein forms V485A.
Identifiers: ClinVar variation 2894171 (VCV002894171.3), dbSNP rs757792826, ClinGen allele CA2932270.